The following is an entry in ClinVar:

ClinVar aggregate classification (germline): Uncertain significance. Review status: criteria provided, multiple submitters, no conflicts (2 of 4 stars). 8 submissions from 8 submitters: Uncertain significance (6). 2 of the submissions do not count toward it. Last evaluated 2026-10-01.

Conditions:
Hereditary cancer-predisposing syndrome. Also called: Neoplastic Syndromes, Hereditary; Tumor predisposition; Hereditary Cancer Syndrome; Hereditary neoplastic syndrome. Identifiers: Orphanet 140162, MedGen C0027672, MeSH D009386, MONDO:0015356.
Hereditary breast ovarian cancer syndrome. Also called: Hereditary breast and/or ovarian cancer syndrome; Hereditary breast and ovarian cancer syndrome; Hereditary breast and ovarian cancer; Hereditary breast and ovarian cancer syndrome (HBOC); Breast and ovarian cancer; BRCA1- and BRCA2-Associated Hereditary Breast and Ovarian Cancer. Identifiers: Orphanet 145, MedGen C0677776, MeSH D061325, MONDO:0003582. Disease mechanism: loss of function.
Breast-ovarian cancer, familial, susceptibility to, 2 (BROVCA2). Also called: BRCA2 Hereditary Breast and Ovarian Cancer. Identifiers: Orphanet 145, MedGen C2675520, MONDO:0012933, OMIM 612555. Disease mechanism: loss of function.

Allele frequency attached by ClinVar (database versions not stated): gnomAD exomes 0.00001 and 0.00002; ExAC 0.00002; TOPMed 0.00004; gnomAD 0.00005 and 0.00006; ESP Exome Variant Server 0.00015.
gnomAD v4.1: 15 of 1,613,712 alleles (0.00093%); highest among the groups gnomAD compares: African/African-American, 0.017%; no homozygotes.

Submissions (8):

St. Jude Molecular Pathology, St. Jude Children's Research Hospital
Classification: Uncertain significance for Breast-ovarian cancer, familial, susceptibility to, 2. Last evaluated: 2026-10-01. Review status: criteria provided, single submitter. Criteria: St. Jude Assertion Criteria 2020. Collection method: clinical testing. Allele origin: germline.
Comment: The BRCA2 c.735A>C p.(Arg245Ser) missense change has a maximum subpopulation frequency of 0.02% in gnomAD v2.1.1. The in silico tool REVEL predicts a benign effect on protein function, but to our knowledge this predict ion has not been confirmed by functional studies. To our knowledge, this variant has not been reported in individuals with BRCA2-related disease. In summary, the evidence currently available is insufficient to determine the clinical significance of this variant. It has therefore been classified as of uncertain significance.

Labcorp Genetics (formerly Invitae), Labcorp
Classification: Uncertain significance for Hereditary breast ovarian cancer syndrome. Last evaluated: 2026-01-26. Review status: criteria provided, single submitter. Criteria: Invitae Variant Classification Sherloc (09022015). Collection method: clinical testing. Allele origin: germline.
Comment: This sequence change replaces arginine, which is basic and polar, with serine, which is neutral and polar, at codon 245 of the BRCA2 protein (p.Arg245Ser). This variant is present in population databases (rs375790538, gnomAD 0.03%). This variant has not been reported in the literature in individuals affected with BRCA2-related conditions. ClinVar contains an entry for this variant (Variation ID: 91477). Invitae Evidence Modeling of protein sequence and biophysical properties (such as structural, functional, and spatial information, amino acid conservation, physicochemical variation, residue mobility, and thermodynamic stability) indicates that this missense variant is not expected to disrupt BRCA2 protein function with a negative predictive value of 95%. In summary, the available evidence is currently insufficient to determine the role of this variant in disease. Therefore, it has been classified as a Variant of Uncertain Significance.

Quest Diagnostics Nichols Institute San Juan Capistrano
Classification: Uncertain significance. Last evaluated: 2024-08-20. Review status: criteria provided, single submitter. Criteria: Quest Diagnostics criteria. Collection method: clinical testing. Allele origin: unknown.
Comment: The BRCA2 c.735A>C (p.Arg245Ser) variant has been reported in the published literature be located in a region of the BRCA2 gene that is tolerant to missense sequence changes (PMID: 31911673 (2020)). The frequency of this variant in the general population, 0.00024 (6/24934 chromosomes (Genome Aggregation Database)), is uninformative in the assessment of its pathogenicity. Analysis of this variant using bioinformatics tools for the prediction of the effect of amino acid changes on protein structure and function yielded predictions that this variant is benign. Based on the available information, we are unable to determine the clinical significance of this variant.

Ambry Genetics
Classification: Uncertain significance for Hereditary cancer-predisposing syndrome. Last evaluated: 2023-11-13. Review status: criteria provided, single submitter. Criteria: Ambry Variant Classification Scheme 2023. Collection method: clinical testing. Allele origin: germline.
Comment: The p.R245S variant (also known as c.735A>C), located in coding exon 8 of the BRCA2 gene, results from an A to C substitution at nucleotide position 735. The arginine at codon 245 is replaced by serine, an amino acid with dissimilar properties. This amino acid position is not well conserved in available vertebrate species. In addition, this alteration is predicted to be tolerated by in silico analysis. Since supporting evidence is limited at this time, the clinical significance of this alteration remains unclear.

All of Us Research Program, National Institutes of Health
Classification: Uncertain significance for Breast-ovarian cancer, familial, susceptibility to, 2. Last evaluated: 2023-10-02. Review status: criteria provided, single submitter. Criteria: ACMG Guidelines, 2015. Collection method: clinical testing. Allele origin: germline. Inheritance: Autosomal dominant inheritance. Observed: 4 variant alleles, 4 heterozygotes.
Comment: This missense variant replaces arginine with serine at codon 245 of the BRCA2 protein. Computational prediction suggests that this variant may not impact protein structure and function (internally defined REVEL score threshold <= 0.5, PMID: 27666373). To our knowledge, functional studies have not been reported for this variant. This variant has not been reported in individuals affected with hereditary cancer in the literature. This variant has been identified in 6/282352 chromosomes in the general population by the Genome Aggregation Database (gnomAD). The available evidence is insufficient to determine the role of this variant in disease conclusively. Therefore, this variant is classified as a Variant of Uncertain Significance.

This study involves interpretation of variants in research participants for the purpose of population health screening. Participant phenotype was not available at the time of variant classification. Additional details can be found in publication PMID: 35346344, PMCID: PMC8962531

GeneDx
Classification: Uncertain significance. Last evaluated: 2023-09-08. Review status: criteria provided, single submitter. Criteria: GeneDx Variant Classification Process June 2021. Collection method: clinical testing. Allele origin: germline. Affected: yes.
Comment: In silico analysis supports that this missense variant does not alter protein structure/function; Has not been previously published as pathogenic or benign to our knowledge; Also known as 963A>C

Counsyl
Classification: Uncertain significance for Breast-ovarian cancer, familial, susceptibility to, 2. Last evaluated: 2015-12-23. Review status: no assertion criteria provided. Collection method: clinical testing. Allele origin: unknown. Not counted in ClinVar's aggregate classification.

Sharing Clinical Reports Project (SCRP)
Classification: Uncertain significance for Breast-ovarian cancer, familial 2. Last evaluated: 2012-02-23. Review status: no assertion criteria provided. Collection method: clinical testing. Allele origin: germline. Not counted in ClinVar's aggregate classification.

Literature cited by the submitters: PubMed 31911673 (cited by Quest Diagnostics Nichols Institute San Juan Capistrano).

NM_000059.4(BRCA2):c.735A>C (p.Arg245Ser)

Gene: BRCA2 (BRCA2 DNA repair associated; plus strand). Cytogenetic location: 13q13.1.
Variant type: single nucleotide variant.
Coding change: c.735A>C on transcript NM_000059.4 (MANE Select); coding-DNA position 735, A replaced by C.
Protein change: p.Arg245Ser; replaces arginine 245 with serine.
Molecular consequence: missense variant.
Genome position (GRCh38, 1-based): chr13:32,330,972, A>C. VCF-style: chr13-32330972-A-C. GRCh37 (hg19) VCF-style: chr13-32905109-A-C.
Other names: 963A>C; short protein forms R245S.
Identifiers: ClinVar variation 91477 (VCV000091477.26), dbSNP rs375790538, ClinGen allele CA025042.